The following is an entry in ClinVar:

ClinVar aggregate classification (germline): Uncertain significance. Review status: criteria provided, single submitter (1 of 4 stars). 2 submissions from 2 submitters: Uncertain significance (1). 1 of the submissions does not count toward it. Last evaluated 2023-04-24.

Conditions:
Cohen syndrome (COH1). Also called: PEPPER SYNDROME; Cutis verticis gyrata, retinitis pigmentosa, and sensorineural deafness. Identifiers: Orphanet 193, MedGen C0265223, MONDO:0008999, OMIM 216550.

Allele frequency attached by ClinVar (database versions not stated): gnomAD exomes below 0.00001.
gnomAD v4.1: 2 of 1,614,186 alleles (0.00012%); highest among the groups gnomAD compares: Middle Eastern, 0.016%; no homozygotes.

Submissions (2):

Labcorp Genetics (formerly Invitae), Labcorp
Classification: Uncertain significance for Cohen syndrome. Last evaluated: 2023-04-24. Review status: criteria provided, single submitter. Criteria: Invitae Variant Classification Sherloc (09022015). Collection method: clinical testing. Allele origin: germline.
Comment: In summary, the available evidence is currently insufficient to determine the role of this variant in disease. Therefore, it has been classified as a Variant of Uncertain Significance. Advanced modeling of protein sequence and biophysical properties (such as structural, functional, and spatial information, amino acid conservation, physicochemical variation, residue mobility, and thermodynamic stability) performed at Invitae indicates that this missense variant is not expected to disrupt VPS13B protein function. ClinVar contains an entry for this variant (Variation ID: 1038049). This variant has not been reported in the literature in individuals affected with VPS13B-related conditions. This variant is present in population databases (no rsID available, gnomAD no frequency). This sequence change replaces alanine, which is neutral and non-polar, with threonine, which is neutral and polar, at codon 3476 of the VPS13B protein (p.Ala3476Thr).

Natera, Inc.
Classification: Uncertain significance for Cohen syndrome. Last evaluated: 2020-02-21. Review status: no assertion criteria provided. Collection method: clinical testing. Allele origin: germline. Not counted in ClinVar's aggregate classification.

NM_152564.5(VPS13B):c.10351G>A (p.Ala3451Thr)

Gene: VPS13B (vacuolar protein sorting 13 homolog B; plus strand). Cytogenetic location: 8q22.2.
Variant type: single nucleotide variant.
Coding change: c.10351G>A on transcript NM_152564.5 (MANE Select); coding-DNA position 10351, G replaced by A.
Protein change: p.Ala3451Thr; replaces alanine 3451 with threonine.
Molecular consequence: missense variant.
Genome position (GRCh38, 1-based): chr8:99,853,740, G>A. VCF-style: chr8-99853740-G-A. GRCh37 (hg19) VCF-style: chr8-100865968-G-A.
Other names: c.10426G>A, p.Ala3476Thr (NM_017890.5); short protein forms A3476T, A3451T.
Identifiers: ClinVar variation 1038049 (VCV001038049.10), dbSNP rs1343470928, ClinGen allele CA371781701.